The following is an entry in ClinVar:

NM_000551.4(VHL):c.287A>C (p.Gln96Pro)

Gene: VHL (von Hippel-Lindau tumor suppressor; plus strand). Cytogenetic location: 3p25.3.
Variant type: single nucleotide variant.
Coding change: c.287A>C on transcript NM_000551.4 (MANE Select); coding-DNA position 287, A replaced by C.
Protein change: p.Gln96Pro; replaces glutamine 96 with proline.
Molecular consequence: missense variant.
Genome position (GRCh38, 1-based): chr3:10,142,134, A>C. VCF-style: chr3-10142134-A-C. GRCh37 (hg19) VCF-style: chr3-10183818-A-C.
Other names: c.287A>C, p.Gln96Pro (NM_198156.3, NM_001354723.2); short protein forms Q96P.
Identifiers: ClinVar variation 625233 (VCV000625233.3), dbSNP rs1559426089, ClinGen allele CA351750823.

ClinVar aggregate classification (germline): Conflicting classifications of pathogenicity. Review status: criteria provided, conflicting classifications (1 of 4 stars). 2 submissions from 2 submitters: Likely pathogenic (1); Uncertain significance (1). Last evaluated 2019-07-09.

Conditions:
Hereditary cancer-predisposing syndrome. Also called: Tumor predisposition; Neoplastic Syndromes, Hereditary; Hereditary Cancer Syndrome; Hereditary neoplastic syndrome. Identifiers: Orphanet 140162, MedGen C0027672, MeSH D009386, MONDO:0015356.
Von Hippel-Lindau syndrome (VHLS). Also called: von Hippel–Lindau syndrome; Von Hippel-Lindau; VHL syndrome. Identifiers: Orphanet 892, MedGen C0019562, MONDO:0008667, OMIM 193300. Disease mechanism: loss of function.

Submissions (2):

Ambry Genetics
Classification: Likely pathogenic for Hereditary cancer-predisposing syndrome. Last evaluated: 2019-07-09. Review status: criteria provided, single submitter. Criteria: Ambry Variant Classification Scheme 2023. Collection method: clinical testing. Allele origin: germline.
Comment: The p.Q96P variant (also known as c.287A>C), located in coding exon 1 of the VHL gene, results from an A to C substitution at nucleotide position 287. The glutamine at codon 96 is replaced by proline, an amino acid with similar properties. This alteration was identified in a VHL cohort (Maher ER et al. J. Med. Genet., 1996 Apr;33:328-32). This amino acid position is not well conserved in available vertebrate species. This alteration is predicted to be deleterious by in silico analysis. In addition, this variant was not reported in population-based cohorts in the Genome Aggregation Database (gnomAD). Based on the majority of available evidence to date, this variant is likely to be pathogenic.

Genomic Diagnostic Laboratory, Division of Genomic Diagnostics, Children's Hospital of Philadelphia
Classification: Uncertain significance for von Hippel-Lindau syndrome. Last evaluated: 2018-08-01. Review status: criteria provided, single submitter. Criteria: DGD Variant Analysis Guidelines. Collection method: clinical testing. Allele origin: germline. Affected: yes. Observed: 1 variant allele.

Literature cited by the submitters: PubMed 8730290 (cited by Ambry Genetics).